The following is an entry in ClinVar:

ClinVar aggregate classification (germline): Uncertain significance. Review status: criteria provided, multiple submitters, no conflicts (2 of 4 stars). 2 submissions from 2 submitters: Uncertain significance (2). Last evaluated 2025-05-12.

Allele frequency attached by ClinVar (database versions not stated): gnomAD 0.00001; ExAC 0.00002; TOPMed 0.00003.

Submissions (2):

Labcorp Genetics (formerly Invitae), Labcorp
Classification: Uncertain significance. Last evaluated: 2025-05-12. Review status: criteria provided, single submitter. Criteria: Invitae Variant Classification Sherloc (09022015). Collection method: clinical testing. Allele origin: germline.
Comment: This sequence change replaces proline, which is neutral and non-polar, with leucine, which is neutral and non-polar, at codon 841 of the EMC1 protein (p.Pro841Leu). This variant is present in population databases (rs774856592, gnomAD 0.003%). This variant has not been reported in the literature in individuals affected with EMC1-related conditions. ClinVar contains an entry for this variant (Variation ID: 1906697). Invitae Evidence Modeling of protein sequence and biophysical properties (such as structural, functional, and spatial information, amino acid conservation, physicochemical variation, residue mobility, and thermodynamic stability) indicates that this missense variant is expected to disrupt EMC1 protein function with a positive predictive value of 80%. In summary, the available evidence is currently insufficient to determine the role of this variant in disease. Therefore, it has been classified as a Variant of Uncertain Significance.

Blueprint Genetics
Classification: Uncertain significance. Last evaluated: 2024-06-20. Review status: criteria provided, single submitter. Criteria: ACMG Guidelines, 2015. Collection method: clinical testing. Allele origin: germline.

NM_015047.3(EMC1):c.2522C>T (p.Pro841Leu)

Genes: EMC1 (ER membrane protein complex subunit 1; minus strand), EMC1-AS1 (EMC1 antisense RNA 1; plus strand). Cytogenetic location: 1p36.13.
Variant type: single nucleotide variant.
Coding change: c.2522C>T on transcript NM_015047.3 (MANE Select); coding-DNA position 2522, C replaced by T.
Protein change: p.Pro841Leu; replaces proline 841 with leucine.
Molecular consequence: missense variant.
Genome position (GRCh38, 1-based): chr1:19,222,689, G>A on the plus strand (C>T on the coding strand, the complement: EMC1 is on the minus strand). VCF-style: chr1-19222689-G-A. GRCh37 (hg19) VCF-style: chr1-19549183-G-A.
Other names: c.2519C>T, p.Pro840Leu (NM_001271427.2, NM_001271428.2); c.2456C>T, p.Pro819Leu (NM_001271429.2); c.2531C>T, p.Pro844Leu (NM_001375820.1); c.2528C>T, p.Pro843Leu (NM_001375821.1); short protein forms P819L, P840L, P841L, P843L, P844L.
Identifiers: ClinVar variation 1906697 (VCV001906697.5), dbSNP rs774856592, ClinGen allele CA652254.